The following is an entry in ClinVar:

ClinVar aggregate classification (germline): Uncertain significance (1 of 4 stars; one submission).

Conditions:
Hereditary cancer-predisposing syndrome. Also called: Neoplastic Syndromes, Hereditary; Tumor predisposition; Hereditary Cancer Syndrome; Hereditary neoplastic syndrome. Identifiers: Orphanet 140162, MedGen C0027672, MeSH D009386, MONDO:0015356.

Submission:

Color Diagnostics, LLC DBA Color Health
Classification: Uncertain significance for Hereditary cancer-predisposing syndrome. Last evaluated: 2024-03-06. Review status: criteria provided, single submitter. Criteria: ACMG Guidelines, 2015. Collection method: clinical testing. Allele origin: germline.
Comment: This missense variant replaces glutamine with arginine at codon 2440 of the APC protein. Computational prediction suggests that this variant may have deleterious impact on protein structure and function (internally defined REVEL score threshold >= 0.7, PMID: 27666373). Splice site prediction tools suggest that this variant may not impact RNA splicing. To our knowledge, functional studies have not been performed for this variant. This variant has not been reported in individuals affected with hereditary cancer in the literature. This variant has not been identified in the general population by the Genome Aggregation Database (gnomAD). The available evidence is insufficient to determine the role of this variant in disease conclusively. Therefore, this variant is classified as a Variant of Uncertain Significance.

NM_000038.6(APC):c.7319A>G (p.Gln2440Arg)

Gene: APC (APC regulator of Wnt signaling pathway; plus strand). Cytogenetic location: 5q22.2.
Variant type: single nucleotide variant.
Coding change: c.7319A>G on transcript NM_000038.6 (MANE Select); coding-DNA position 7319, A replaced by G.
Protein change: p.Gln2440Arg; replaces glutamine 2440 with arginine.
Molecular consequence: missense variant.
Genome position (GRCh38, 1-based): chr5:112,842,913, A>G. VCF-style: chr5-112842913-A-G. GRCh37 (hg19) VCF-style: chr5-112178610-A-G.
Other names: c.7319A>G, p.Gln2440Arg (NM_001127510.3, NM_001354895.2); c.7265A>G, p.Gln2422Arg (NM_001127511.3); c.7373A>G, p.Gln2458Arg (NM_001354896.2); c.7349A>G, p.Gln2450Arg (NM_001354897.2); c.7244A>G, p.Gln2415Arg (NM_001354898.2); c.7235A>G, p.Gln2412Arg (NM_001354899.2); c.7196A>G, p.Gln2399Arg (NM_001354900.2); c.7142A>G, p.Gln2381Arg (NM_001354901.2); and 5 more; short protein forms Q2157R, Q2381R, Q2399R, Q2415R, Q2422R, Q2450R, Q2280R, Q2314R.
Identifiers: ClinVar variation 923915 (VCV000923915.4), dbSNP rs1766447414, ClinGen allele CA16037269.